The following is an entry in ClinVar:

ClinVar aggregate classification (germline): Likely pathogenic (1 of 4 stars; one submission).

Conditions:
Hearing loss, autosomal dominant 78. Also called: DEAFNESS, AUTOSOMAL DOMINANT 78. Identifiers: MedGen C5436768, MONDO:0033665, OMIM 619081.

Submission:

Institute of Rare Diseases, West China Hospital, Sichuan University
Classification: Likely pathogenic for Hearing loss, autosomal dominant 78. Last evaluated: 2025-01-09. Review status: criteria provided, single submitter. Criteria: ClinGen HL ACMG Specifications v1. Collection method: research. Allele origin: germline. Affected: yes.
Comment: PVS1;PM2_Supporting

NM_001046.3(SLC12A2):c.2959C>T (p.Gln987Ter)

Gene: SLC12A2 (solute carrier family 12 member 2; plus strand). Cytogenetic location: 5q23.3.
Variant type: single nucleotide variant.
Coding change: c.2959C>T on transcript NM_001046.3 (MANE Select); coding-DNA position 2959, C replaced by T.
Protein change: p.Gln987Ter; replaces glutamine 987 with a stop codon.
Molecular consequence: nonsense. On other transcripts: non-coding transcript variant (1), intron variant (1).
Genome position (GRCh38, 1-based): chr5:128,177,134, C>T. VCF-style: chr5-128177134-C-T. GRCh37 (hg19) VCF-style: chr5-127512826-C-T.
Other names: c.2930-1433C>T (NM_001256461.2); short protein forms Q987*.
Identifiers: ClinVar variation 3601713 (VCV003601713.1).